The following is an entry in ClinVar:

NM_004260.4(RECQL4):c.1396C>T (p.Pro466Ser)

Gene: RECQL4 (RecQ like helicase 4; minus strand). Cytogenetic location: 8q24.3.
Variant type: single nucleotide variant.
Coding change: c.1396C>T on transcript NM_004260.4 (MANE Select); coding-DNA position 1396, C replaced by T.
Protein change: p.Pro466Ser; replaces proline 466 with serine.
Molecular consequence: missense variant.
Genome position (GRCh38, 1-based): chr8:144,515,237, G>A on the plus strand (C>T on the coding strand, the complement: RECQL4 is on the minus strand). VCF-style: chr8-144515237-G-A. GRCh37 (hg19) VCF-style: chr8-145740621-G-A.
Other names: short protein forms P466S.
Identifiers: ClinVar variation 459323 (VCV000459323.12), dbSNP rs562809072, ClinGen allele CA372685087.

ClinVar aggregate classification (germline): Uncertain significance. Review status: criteria provided, multiple submitters, no conflicts (2 of 4 stars). 4 submissions from 4 submitters: Uncertain significance (4). Last evaluated 2025-04-30.

Conditions:
RECQL4-related disorder. Also called: RECQL4-related disorders; RECQL4-related condition.
Baller-Gerold syndrome (BGS). Also called: CRANIOSYNOSTOSIS WITH RADIAL DEFECTS. Identifiers: Orphanet 1225, MedGen C0265308, MONDO:0009039, OMIM 218600.

gnomAD v4.1: 7 of 1,590,572 alleles (0.00044%); highest among the groups gnomAD compares: Middle Eastern, 0.033%; no homozygotes.

Submissions (4):

PreventionGenetics, part of Exact Sciences
Classification: Uncertain significance for RECQL4-related condition. Last evaluated: 2025-04-30. Review status: criteria provided, single submitter. Criteria: ACMG Guidelines, 2015. Collection method: clinical testing. Allele origin: germline.
Comment: The RECQL4 c.1396C>T variant is predicted to result in the amino acid substitution p.Pro466Ser. To our knowledge, this variant has not been reported in the literature. This variant is reported in 0.0037% of alleles in individuals of South Asian descent in gnomAD and is interpreted as uncertain in ClinVar. At this time, the clinical significance of this variant is uncertain due to the absence of conclusive functional and genetic evidence.

Labcorp Genetics (formerly Invitae), Labcorp
Classification: Uncertain significance for Baller-Gerold syndrome. Last evaluated: 2024-09-06. Review status: criteria provided, single submitter. Criteria: Invitae Variant Classification Sherloc (09022015). Collection method: clinical testing. Allele origin: germline.
Comment: This sequence change replaces proline, which is neutral and non-polar, with serine, which is neutral and polar, at codon 466 of the RECQL4 protein (p.Pro466Ser). The frequency data for this variant in the population databases is considered unreliable, as metrics indicate poor data quality at this position in the gnomAD database. This variant has not been reported in the literature in individuals affected with RECQL4-related conditions. ClinVar contains an entry for this variant (Variation ID: 459323). Invitae Evidence Modeling of protein sequence and biophysical properties (such as structural, functional, and spatial information, amino acid conservation, physicochemical variation, residue mobility, and thermodynamic stability) indicates that this missense variant is expected to disrupt RECQL4 protein function with a positive predictive value of 80%. This variant disrupts the p.Pro466 amino acid residue in RECQL4. Other variant(s) that disrupt this residue have been determined to be pathogenic (PMID: 18504617, 18716613, 23238538). This suggests that this residue is clinically significant, and that variants that disrupt this residue are likely to be disease-causing. In summary, the available evidence is currently insufficient to determine the role of this variant in disease. Therefore, it has been classified as a Variant of Uncertain Significance.

GeneDx
Classification: Uncertain significance. Last evaluated: 2024-08-14. Review status: criteria provided, single submitter. Criteria: GeneDx Variant Classification Process June 2021. Collection method: clinical testing. Allele origin: germline. Affected: yes.
Comment: Not observed at significant frequency in large population cohorts (gnomAD); In silico analysis supports that this missense variant has a deleterious effect on protein structure/function; Has not been previously published as pathogenic or benign to our knowledge

Genomic Research Center, Shahid Beheshti University of Medical Sciences
Classification: Uncertain significance. Last evaluated: 2019-01-01. Review status: criteria provided, single submitter. Criteria: ACMG Guidelines, 2015. Collection method: clinical testing. Allele origin: inherited. Affected: yes. Observed: 1 variant allele.

Literature cited by the submitters: PubMed 18504617 (cited by Labcorp Genetics (formerly Invitae), Labcorp); PubMed 18716613 (cited by Labcorp Genetics (formerly Invitae), Labcorp); PubMed 23238538 (cited by Labcorp Genetics (formerly Invitae), Labcorp).